The following is an entry in ClinVar:

NM_001165963.4(SCN1A):c.502G>T (p.Glu168Ter)

Gene: SCN1A (sodium voltage-gated channel alpha subunit 1; minus strand). Cytogenetic location: 2q24.3.
Variant type: single nucleotide variant.
Coding change: c.502G>T on transcript NM_001165963.4 (MANE Select); coding-DNA position 502, G replaced by T.
Protein change: p.Glu168Ter; replaces glutamic acid 168 with a stop codon.
Molecular consequence: nonsense. On other transcripts: 5 prime UTR variant (1), non-coding transcript variant (1).
Genome position (GRCh38, 1-based): chr2:166,054,738, C>A on the plus strand (G>T on the coding strand, the complement: SCN1A is on the minus strand). VCF-style: chr2-166054738-C-A. GRCh37 (hg19) VCF-style: chr2-166911248-C-A.
Other names: c.502G>T, p.Glu168Ter (NM_001165964.3, NM_001202435.3, NM_001353948.2 and 10 more transcripts); c.-1924G>T (NM_001353961.2); short protein forms E168*.
Identifiers: ClinVar variation 4718040 (VCV004718040.1).

ClinVar aggregate classification (germline): Pathogenic (1 of 4 stars; one submission).

Conditions:
Early-infantile DEE. Also called: Early infantile epileptic encephalopathy; Ohtahara syndrome; Early infantile epileptic encephalopathy with suppression bursts. Identifiers: Orphanet 1934, MedGen C0393706, MONDO:0800491.

Submission:

Labcorp Genetics (formerly Invitae), Labcorp
Classification: Pathogenic for Early-infantile DEE. Last evaluated: 2025-04-21. Review status: criteria provided, single submitter. Criteria: Invitae Variant Classification Sherloc (09022015). Collection method: clinical testing. Allele origin: germline.
Comment: This sequence change creates a premature translational stop signal (p.Glu168*) in the SCN1A gene. It is expected to result in an absent or disrupted protein product. Loss-of-function variants in SCN1A are known to be pathogenic (PMID: 17347258, 18930999). This variant is not present in population databases (gnomAD no frequency). This variant has not been reported in the literature in individuals affected with SCN1A-related conditions. Algorithms developed to predict the effect of sequence changes on RNA splicing suggest that this variant may disrupt the consensus splice site. For these reasons, this variant has been classified as Pathogenic.

Literature cited by the submitters: PubMed 17347258; PubMed 18930999.